The following is an entry in ClinVar:

ClinVar aggregate classification (germline): Uncertain significance (1 of 4 stars; one submission).

Conditions:
Cryopyrin associated periodic syndrome (CAPS). Identifiers: Orphanet 208650, MedGen C2316212, MONDO:0016168.

Submission:

Labcorp Genetics (formerly Invitae), Labcorp
Classification: Uncertain significance for Cryopyrin associated periodic syndrome. Last evaluated: 2020-12-08. Review status: criteria provided, single submitter. Criteria: Invitae Variant Classification Sherloc (09022015). Collection method: clinical testing. Allele origin: germline.
Comment: This sequence change replaces asparagine with lysine at codon 491 of the NLRP3 protein (p.Asn491Lys). The asparagine residue is moderately conserved and there is a moderate physicochemical difference between asparagine and lysine. This variant is not present in population databases (ExAC no frequency). This variant has not been reported in the literature in individuals with NLRP3-related conditions. Algorithms developed to predict the effect of missense changes on protein structure and function output the following: SIFT: "Tolerated"; PolyPhen-2: "Benign"; Align-GVGD: "Class C0". The lysine amino acid residue is found in multiple mammalian species, suggesting that this missense change does not adversely affect protein function. These predictions have not been confirmed by published functional studies and their clinical significance is uncertain. In summary, the available evidence is currently insufficient to determine the role of this variant in disease. Therefore, it has been classified as a Variant of Uncertain Significance.

NM_001243133.2(NLRP3):c.1467T>A (p.Asn489Lys)

Gene: NLRP3 (NLR family pyrin domain containing 3; plus strand). Cytogenetic location: 1q44.
Variant type: single nucleotide variant.
Coding change: c.1467T>A on transcript NM_001243133.2 (MANE Select); coding-DNA position 1467, T replaced by A.
Protein change: p.Asn489Lys; replaces asparagine 489 with lysine.
Molecular consequence: missense variant.
Genome position (GRCh38, 1-based): chr1:247,424,916, T>A. VCF-style: chr1-247424916-T-A. GRCh37 (hg19) VCF-style: chr1-247588218-T-A.
Other names: c.1467T>A, p.Asn489Lys (NM_001079821.3, NM_001127461.3, NM_001127462.3 and 1 more transcripts); c.1473T>A, p.Asn491Lys (NM_004895.5); short protein forms N489K, N491K.
Identifiers: ClinVar variation 1417422 (VCV001417422.8), dbSNP rs2103110971, ClinGen allele CA345556951.
Genomic context (GRCh38, chr1:247,424,916, plus strand): 5'-TTTGGCTGCAGATGGAATCTGGAACCAGAAAATCCTGTTTGAGGAGTCCGACCTCAGGAA[T>A]CATGGACTGCAGAAGGCGGATGTGTCTGCTTTCCTGAGGATGAACCTGTTCCAAAAGGAA-3'
Protein context (NP_001230062.1, residues 479-499): KILFEESDLR[Asn489Lys]HGLQKADVSA